The following is an entry in ClinVar:

NM_001734.5(C1S):c.197C>T (p.Ala66Val)

Gene: C1S (complement C1s; plus strand). Cytogenetic location: 12p13.31.
Variant type: single nucleotide variant.
Coding change: c.197C>T on transcript NM_001734.5 (MANE Select); coding-DNA position 197, C replaced by T.
Protein change: p.Ala66Val; replaces alanine 66 with valine.
Molecular consequence: missense variant. On other transcripts: intron variant (1).
Genome position (GRCh38, 1-based): chr12:7,062,666, C>T. VCF-style: chr12-7062666-C-T. GRCh37 (hg19) VCF-style: chr12-7169970-C-T.
Other names: c.197C>T, p.Ala66Val (NM_201442.4); c.-288-224C>T (NM_001346850.2); short protein forms A66V.
Identifiers: ClinVar variation 3710702 (VCV003710702.3).

ClinVar aggregate classification (germline): Uncertain significance. Review status: criteria provided, multiple submitters, no conflicts (2 of 4 stars). 2 submissions from 2 submitters: Uncertain significance (2). Last evaluated 2025-10-27.

gnomAD v4.1: 2 of 1,613,428 alleles (0.00012%); highest among the groups gnomAD compares: Non-Finnish European, 0.000085%; no homozygotes.

Submissions (2):

Labcorp Genetics (formerly Invitae), Labcorp
Classification: Uncertain significance. Last evaluated: 2025-10-27. Review status: criteria provided, single submitter. Criteria: Invitae Variant Classification Sherloc (09022015). Collection method: clinical testing. Allele origin: germline.
Comment: This sequence change replaces alanine, which is neutral and non-polar, with valine, which is neutral and non-polar, at codon 66 of the C1S protein (p.Ala66Val). This variant is not present in population databases (gnomAD no frequency). This variant has not been reported in the literature in individuals affected with C1S-related conditions. ClinVar contains an entry for this variant (Variation ID: 3710702). Invitae Evidence Modeling of protein sequence and biophysical properties (such as structural, functional, and spatial information, amino acid conservation, physicochemical variation, residue mobility, and thermodynamic stability) indicates that this missense variant is not expected to disrupt C1S protein function with a negative predictive value of 80%. In summary, the available evidence is currently insufficient to determine the role of this variant in disease. Therefore, it has been classified as a Variant of Uncertain Significance.

Blueprint Genetics
Classification: Uncertain significance. Last evaluated: 2024-05-03. Review status: criteria provided, single submitter. Criteria: ACMG Guidelines, 2015. Collection method: clinical testing. Allele origin: germline.